The following is an entry in ClinVar:

ClinVar aggregate classification (germline): Uncertain significance. Review status: criteria provided, multiple submitters, no conflicts (2 of 4 stars). 2 submissions from 2 submitters: Uncertain significance (2). Last evaluated 2025-02-11.

Conditions:
Progressive familial heart block type IB (PFHB1B). Identifiers: Orphanet 871, MedGen C1970298, MONDO:0011474, OMIM 604559.
Cardiovascular phenotype. Identifiers: MedGen CN230736.

gnomAD v4.1: 6 of 1,614,082 alleles (0.00037%); highest among the groups gnomAD compares: Non-Finnish European, 0.00034%; no homozygotes.

Submissions (2):

Labcorp Genetics (formerly Invitae), Labcorp
Classification: Uncertain significance for Progressive familial heart block type IB. Last evaluated: 2025-02-11. Review status: criteria provided, single submitter. Criteria: Invitae Variant Classification Sherloc (09022015). Collection method: clinical testing. Allele origin: germline.
Comment: This sequence change replaces tryptophan, which is neutral and slightly polar, with leucine, which is neutral and non-polar, at codon 649 of the TRPM4 protein (p.Trp649Leu). This variant is not present in population databases (gnomAD no frequency). This variant has not been reported in the literature in individuals affected with TRPM4-related conditions. ClinVar contains an entry for this variant (Variation ID: 1783137). An algorithm developed to predict the effect of missense changes on protein structure and function (PolyPhen-2) suggests that this variant is likely to be disruptive. In summary, the available evidence is currently insufficient to determine the role of this variant in disease. Therefore, it has been classified as a Variant of Uncertain Significance.

Ambry Genetics
Classification: Uncertain significance for Cardiovascular phenotype. Last evaluated: 2024-06-22. Review status: criteria provided, single submitter. Criteria: Ambry Variant Classification Scheme 2023. Collection method: clinical testing. Allele origin: germline.
Comment: The p.W649L variant (also known as c.1946G>T), located in coding exon 14 of the TRPM4 gene, results from a G to T substitution at nucleotide position 1946. The tryptophan at codon 649 is replaced by leucine, an amino acid with similar properties. This amino acid position is conserved. In addition, the in silico prediction for this alteration is inconclusive. Since supporting evidence is limited at this time, the clinical significance of this alteration remains unclear.

NM_017636.4(TRPM4):c.1946G>T (p.Trp649Leu)

Gene: TRPM4 (transient receptor potential cation channel subfamily M member 4; plus strand). Cytogenetic location: 19q13.33.
Variant type: single nucleotide variant.
Coding change: c.1946G>T on transcript NM_017636.4 (MANE Select); coding-DNA position 1946, G replaced by T.
Protein change: p.Trp649Leu; replaces tryptophan 649 with leucine.
Molecular consequence: missense variant.
Genome position (GRCh38, 1-based): chr19:49,189,018, G>T. VCF-style: chr19-49189018-G-T. GRCh37 (hg19) VCF-style: chr19-49692275-G-T.
Other names: c.1946G>T, p.Trp649Leu (NM_001195227.2); c.1601G>T, p.Trp534Leu (NM_001321281.2); c.338G>T, p.Trp113Leu (NM_001321282.2); c.1424G>T, p.Trp475Leu (NM_001321283.2); c.884G>T, p.Trp295Leu (NM_001321285.2); short protein forms W534L, W113L, W649L, W295L, W475L.
Identifiers: ClinVar variation 1783137 (VCV001783137.5), dbSNP rs2514144179, ClinGen allele CA406803902.